The following is an entry in ClinVar:

ClinVar aggregate classification (germline): Conflicting classifications of pathogenicity. Review status: criteria provided, conflicting classifications (1 of 4 stars). 3 submissions from 3 submitters: Uncertain significance (2); Likely benign (1). Last evaluated 2025-12-31.

Conditions:
Cardiovascular phenotype. Identifiers: MedGen CN230736.

Allele frequency attached by ClinVar (database versions not stated): gnomAD 0.00003 and 0.00004; TOPMed 0.00009.
gnomAD v4.1: 32 of 1,613,964 alleles (0.002%); highest among the groups gnomAD compares: Admixed American, 0.03%; no homozygotes.

Submissions (3):

Labcorp Genetics (formerly Invitae), Labcorp
Classification: Uncertain significance. Last evaluated: 2025-12-31. Review status: criteria provided, single submitter. Criteria: Invitae Variant Classification Sherloc (09022015). Collection method: clinical testing. Allele origin: germline.
Comment: This sequence change replaces serine, which is neutral and polar, with glycine, which is neutral and non-polar, at codon 401 of the ALPK3 protein (p.Ser401Gly). This variant is present in population databases (rs780267653, gnomAD 0.03%). This variant has not been reported in the literature in individuals affected with ALPK3-related conditions. ClinVar contains an entry for this variant (Variation ID: 1520166). An algorithm developed to predict the effect of missense changes on protein structure and function (PolyPhen-2) suggests that this variant is likely to be tolerated. In summary, the available evidence is currently insufficient to determine the role of this variant in disease. Therefore, it has been classified as a Variant of Uncertain Significance.

Ambry Genetics
Classification: Likely benign for Cardiovascular phenotype. Last evaluated: 2024-09-04. Review status: criteria provided, single submitter. Criteria: Ambry Variant Classification Scheme 2023. Collection method: clinical testing. Allele origin: germline.

GeneDx
Classification: Uncertain significance. Last evaluated: 2023-03-21. Review status: criteria provided, single submitter. Criteria: GeneDx Variant Classification Process June 2021. Collection method: clinical testing. Allele origin: germline. Affected: yes.
Comment: Has not been previously published as pathogenic or benign to our knowledge; In silico analysis supports that this missense variant does not alter protein structure/function

NM_020778.5(ALPK3):c.595A>G (p.Ser199Gly)

Gene: ALPK3 (alpha kinase 3; plus strand). Cytogenetic location: 15q25.3.
Variant type: single nucleotide variant.
Coding change: c.595A>G on transcript NM_020778.5 (MANE Select); coding-DNA position 595, A replaced by G.
Protein change: p.Ser199Gly; replaces serine 199 with glycine.
Molecular consequence: missense variant.
Genome position (GRCh38, 1-based): chr15:84,839,874, A>G. VCF-style: chr15-84839874-A-G. GRCh37 (hg19) VCF-style: chr15-85383105-A-G.
Other names: c.1201A>G (NM_020778.4); short protein forms S199G.
Identifiers: ClinVar variation 1520166 (VCV001520166.9), dbSNP rs780267653, ClinGen allele CA7709005.